The following is an entry in ClinVar:

NM_003285.3(TNR):c.1114C>T (p.Arg372Trp)

Gene: TNR (tenascin R; minus strand). Cytogenetic location: 1q25.1.
Variant type: single nucleotide variant.
Coding change: c.1114C>T on transcript NM_003285.3 (MANE Select); coding-DNA position 1114, C replaced by T.
Protein change: p.Arg372Trp; replaces arginine 372 with tryptophan.
Molecular consequence: missense variant.
Genome position (GRCh38, 1-based): chr1:175,396,670, G>A on the plus strand (C>T on the coding strand, the complement: TNR is on the minus strand). VCF-style: chr1-175396670-G-A. GRCh37 (hg19) VCF-style: chr1-175365806-G-A.
Other names: c.115C>T, p.Arg39Trp (NM_001328635.2); short protein forms R372W, R39W.
Identifiers: ClinVar variation 3731546 (VCV003731546.1).
Genomic context (GRCh38, chr1:175,396,670, plus strand): 5'-TGTAGGTGAGACCTGGCTCCAGCTCCGTGATGGTGACACCACTCCAATCTCCAGGCACCC[G>A]CTGCTGGAGCTGGAGGCCCCCCAGGGCCGTCGGCTGGTAAGAGATCACATATTCCGTCAC-3'
Protein context (NP_003276.3, residues 362-382): TALGGLQLQQ[Arg372Trp]VPGDWSGVTI

ClinVar aggregate classification (germline): Uncertain significance (1 of 4 stars; one submission).

Conditions:
Neurodevelopmental disorder, nonprogressive, with spasticity and transient opisthotonus. Identifiers: MedGen C5562040, MONDO:0859212, OMIM 619653.

Submission:

Neuberg Centre For Genomic Medicine, NCGM
Classification: Uncertain significance for Neurodevelopmental disorder, nonprogressive, with spasticity and transient opisthotonus. Last evaluated: 2023-06-22. Review status: criteria provided, single submitter. Criteria: ACMG Guidelines, 2015. Collection method: clinical testing. Allele origin: germline. Inheritance: Autosomal recessive inheritance. Affected: yes.
Comment: The observed missense c.1114C>T(p.Arg372Trp) variant in TNR gene has not been reported previously as a pathogenic variant nor as a benign variant, to our knowledge. This variant is absent in gnomAD Exomes. The amino acid Arg at position 372 is changed to a Trp changing protein sequence and it might alter its composition and physico-chemical properties. The amino acid change p.Arg372Trp in TNR is predicted as conserved by GERP++ and PhyloP across 100 vertebrates. Multiple lines of computational evidence (Polyphen - Possibly Damaging, SIFT - Damaging, and MutationTaster - Disease causing) predict a damaging effect on protein structure and function for this variant. For these reasons, this variant has been classified as Uncertain Significance.